The following is an entry in ClinVar:

NM_020806.5(GPHN):c.788del (p.Pro263fs)

Gene: GPHN (gephyrin; plus strand). Cytogenetic location: 14q23.3.
Variant type: Deletion.
Coding change: c.788del on transcript NM_020806.5 (MANE Select); coding-DNA position 788, one base deleted (C; older notation c.788delC).
Protein change: p.Pro263fs; shifts the reading frame from proline 263.
Molecular consequence: frameshift variant. On other transcripts: intron variant (7).
Genome position (GRCh38, 1-based): chr14:66,924,252, C deleted; the last of 3 consecutive C bases (chr14:66,924,250-66,924,252); deleting any one gives the same sequence. VCF-style (leftmost placement, unchanged base first): chr14-66924249-TC-T. GRCh37 (hg19) VCF-style: chr14-67390966-TC-T.
Other names: c.768+1314del (NM_001377514.1, NM_001377519.1); c.729+1314del (NM_001377515.1, NM_001377516.1, NM_001377518.1 and 2 more transcripts); short protein forms P263fs.
Identifiers: ClinVar variation 3640842 (VCV003640842.2).

ClinVar aggregate classification (germline): Pathogenic (1 of 4 stars; one submission).

Conditions:
Sulfite oxidase deficiency due to molybdenum cofactor deficiency type C. Also called: Molybdenum cofactor deficiency, complementation group C; Molybdenum cofactor deficiency C. Identifiers: Orphanet 308400, Orphanet 833, MedGen C1854990, MONDO:0014212, OMIM 615501.

Submission:

Labcorp Genetics (formerly Invitae), Labcorp
Classification: Pathogenic for Sulfite oxidase deficiency due to molybdenum cofactor deficiency type C. Last evaluated: 2024-03-31. Review status: criteria provided, single submitter. Criteria: Invitae Variant Classification Sherloc (09022015). Collection method: clinical testing. Allele origin: germline.
Comment: This sequence change creates a premature translational stop signal (p.Pro263Leufs*94) in the GPHN gene. It is expected to result in an absent or disrupted protein product. Loss-of-function variants in GPHN are known to be pathogenic (PMID: 11095995, 23184456, 23393157, 24561070, 26613940). This variant is present in population databases (no rsID available, gnomAD 0.007%). This variant has not been reported in the literature in individuals affected with GPHN-related conditions. For these reasons, this variant has been classified as Pathogenic.

Literature cited by the submitters: PubMed 11095995; PubMed 23184456; PubMed 23393157; PubMed 24561070; PubMed 26613940.